The following is an entry in ClinVar:

ClinVar aggregate classification (germline): Uncertain significance. Review status: criteria provided, multiple submitters, no conflicts (2 of 4 stars). 3 submissions from 3 submitters: Uncertain significance (3). Last evaluated 2025-10-22.

Conditions:
Elliptocytosis 3 (EL3). Identifiers: MedGen C1866810, MONDO:0054780, OMIM 617948.
Hereditary spherocytosis type 2. Also called: SPHEROCYTOSIS, TYPE 2, AUTOSOMAL DOMINANT. Identifiers: Orphanet 822, MedGen C2674219, MONDO:0000913, OMIM 616649.
Inborn genetic diseases. Identifiers: MedGen C0950123, MeSH D030342.

Allele frequency attached by ClinVar (database versions not stated): ExAC 0.00013; ESP Exome Variant Server 0.00015; gnomAD 0.00017; TOPMed 0.00018; gnomAD exomes 0.00032.
gnomAD v4.1: 481 of 1,613,982 alleles (0.03%); highest among the groups gnomAD compares: Non-Finnish European, 0.039%; no homozygotes.

Submissions (3):

Labcorp Genetics (formerly Invitae), Labcorp
Classification: Uncertain significance. Last evaluated: 2025-10-22. Review status: criteria provided, single submitter. Criteria: Invitae Variant Classification Sherloc (09022015). Collection method: clinical testing. Allele origin: germline.
Comment: This sequence change replaces glutamic acid, which is acidic and polar, with lysine, which is basic and polar, at codon 1967 of the SPTB protein (p.Glu1967Lys). This variant is present in population databases (rs144016437, gnomAD 0.03%). This variant has not been reported in the literature in individuals affected with SPTB-related conditions. ClinVar contains an entry for this variant (Variation ID: 2507948). An algorithm developed to predict the effect of missense changes on protein structure and function outputs the following: PolyPhen-2: "Benign". The lysine amino acid residue is found in multiple mammalian species, which suggests that this missense change does not adversely affect protein function. In summary, the available evidence is currently insufficient to determine the role of this variant in disease. Therefore, it has been classified as a Variant of Uncertain Significance.

Ambry Genetics
Classification: Uncertain significance for Inborn genetic diseases. Last evaluated: 2023-05-17. Review status: criteria provided, single submitter. Criteria: Ambry Variant Classification Scheme 2023. Collection method: clinical testing. Allele origin: germline.

Department of Pathology and Laboratory Medicine, Sinai Health System
Classification: Uncertain significance for Hereditary spherocytosis type 2; Elliptocytosis 3. Last evaluated: 2022-02-01. Review status: criteria provided, single submitter. Criteria: ACMG Guidelines, 2015. Collection method: research. Allele origin: germline.

NM_001355436.2(SPTB):c.5899G>A (p.Glu1967Lys)

Gene: SPTB (spectrin beta, erythrocytic; minus strand). Cytogenetic location: 14q23.3.
Variant type: single nucleotide variant.
Coding change: c.5899G>A on transcript NM_001355436.2 (MANE Select); coding-DNA position 5899, G replaced by A.
Protein change: p.Glu1967Lys; replaces glutamic acid 1967 with lysine.
Molecular consequence: missense variant.
Genome position (GRCh38, 1-based): chr14:64,769,628, C>T on the plus strand (G>A on the coding strand, the complement: SPTB is on the minus strand). VCF-style: chr14-64769628-C-T. GRCh37 (hg19) VCF-style: chr14-65236346-C-T.
Other names: NM_000347.5:c.5899G>A; c.5899G>A, p.Glu1967Lys (NM_001024858.4, NM_001355437.2); short protein forms E1967K.
Identifiers: ClinVar variation 2507948 (VCV002507948.5), dbSNP rs144016437, ClinGen allele CA7229834.